The following is an entry in ClinVar:

NM_000540.3(RYR1):c.24_26dup (p.Asp8dup)

Gene: RYR1 (ryanodine receptor 1; plus strand). Cytogenetic location: 19q13.2.
Variant type: Duplication.
Coding change: c.24_26dup on transcript NM_000540.3 (MANE Select); coding-DNA positions 24 to 26, 3 bases duplicated (CGA; older notation c.24_26dupCGA).
Protein change: p.Asp8dup; duplicates aspartic acid 8.
Molecular consequence: inframe insertion.
Genome position (GRCh38, 1-based): chr19:38,433,853-38,433,855, CGA duplicated; duplicating any 3 consecutive bases within chr19:38,433,851-38,433,855 gives the same sequence; the c. name uses the placement nearest the transcript's 3' end. VCF-style (leftmost placement, unchanged base first): chr19-38433850-A-AGAC. GRCh37 (hg19) VCF-style: chr19-38924490-A-AGAC.
Other names: c.24_26dupCGA (NM_000540.2); c.24_26dup, p.Asp8dup (NM_001042723.2).
Identifiers: ClinVar variation 574005 (VCV000574005.8), dbSNP rs1568426053, ClinGen allele CA891844036.

ClinVar aggregate classification (germline): Uncertain significance. Review status: criteria provided, multiple submitters, no conflicts (2 of 4 stars). 2 submissions from 2 submitters: Uncertain significance (2). Last evaluated 2022-07-06.

Conditions:
RYR1-related disorder. Also called: RYR1-related disorders; RYR1-related condition. Identifiers: MedGen CN239331.

Submissions (2):

Labcorp Genetics (formerly Invitae), Labcorp
Classification: Uncertain significance for RYR1-related disorder. Last evaluated: 2022-07-06. Review status: criteria provided, single submitter. Criteria: Invitae Variant Classification Sherloc (09022015). Collection method: clinical testing. Allele origin: germline.
Comment: This variant, c.24_26dup, results in the insertion of 1 amino acid(s) of the RYR1 protein (p.Asp8dup), but otherwise preserves the integrity of the reading frame. This variant is not present in population databases (gnomAD no frequency). This variant has not been reported in the literature in individuals affected with RYR1-related conditions. ClinVar contains an entry for this variant (Variation ID: 574005). Experimental studies and prediction algorithms are not available or were not evaluated, and the functional significance of this variant is currently unknown. In summary, the available evidence is currently insufficient to determine the role of this variant in disease. Therefore, it has been classified as a Variant of Uncertain Significance.

Kariminejad - Najmabadi Pathology & Genetics Center
Classification: Uncertain significance. Last evaluated: 2017-11-15. Review status: criteria provided, single submitter. Criteria: ACMG Guidelines, 2015. Collection method: clinical testing. Allele origin: germline. Inheritance: Autosomal recessive inheritance. Affected: yes.
Comment: PM2,PM4, PM3_Supporting